The following is an entry in ClinVar:

ClinVar aggregate classification (germline): Pathogenic (1 of 4 stars; one submission).

Submission:

Quest Diagnostics Nichols Institute San Juan Capistrano
Classification: Pathogenic. Last evaluated: 2025-04-09. Review status: criteria provided, single submitter. Criteria: ACMG/ClinGen CNV Guidelines, 2019. Collection method: clinical testing. Allele origin: unknown.
Comment: This 12q14.3 deletion involves at least 6 protein-coding genes. Heterozygous loss-of-function variants of HMGA2 are associated with autosomal dominant Silver-Russell syndrome-5 (OMIM 618908; CCID:007287). Hemizygous deletions overlapping and within the current interval, as well as loss-of-function sequence variants, have been reported in multiple individuals with variable phenotypes, both inherited from affected parents and occurring de novo (Abi Habib 2018, Buysse 2009, Costain 2018, Firth 2009, Heldt 2018, Hubner 2020, Leszinski 2018). There are no similar copy number losses of this region in the general populations of the Database of Genomic Variants. Thus, this copy number variant (CNV) is classified as pathogenic with variable expressivity. References: Abi Habib et al., Genet Med. 2018 Feb;20(2):250-258. PMID: 28796236 Buysse et al., Eur J Med Genet. 2009 Mar-Jun;52(2-3):101-7. PMID: 19298872 Costain et al., Eur J Hum Genet. 2018 May;26(5):740-744. PMID: 29453418 Firth et al., Am J Hum Genet. 2009 Apr;84(4):524-33. PMID: 19344873 Heldt et al., Eur J Med Genet. 2018 Aug;61(8):421-427. PMID: 29501611 Hubner et al., J Clin Endocrinol Metab. 2020 Jul 1;105(7):dgaa273. PMID: 32421827 Leszinski et al., Gene. 2018 Jul 15;663:110-114. PMID: 29655892

GRCh37/hg19 12q14.3(chr12:65953394-66867963)x1

Genes: GRIP1 (glutamate receptor interacting protein 1; minus strand), HELB (DNA helicase B; plus strand), HMGA2 (high mobility group AT-hook 2; plus strand), IRAK3 (interleukin 1 receptor associated kinase 3; plus strand), LLPH (LLP homolog, long-term synaptic facilitation factor; minus strand) and 1 more. Cytogenetic location: 12q14.3.
Variant type: copy number loss.
Change: copy number 1 (one copy instead of two) of chr12:65,953,394-66,867,963 (914.6 kb, GRCh37 coordinates, 1-based), cytogenetic band 12q14.3.
Identifiers: ClinVar variation 4682806 (VCV004682806.1).